The following is an entry in ClinVar:

NM_033109.5(PNPT1):c.298-8T>G

Gene: PNPT1 (polyribonucleotide nucleotidyltransferase 1; minus strand). Cytogenetic location: 2p16.1.
Variant type: single nucleotide variant.
Coding change: c.298-8T>G on transcript NM_033109.5 (MANE Select); 8 bases into the intron before coding-DNA position 298, T replaced by G.
Molecular consequence: intron variant.
Genome position (GRCh38, 1-based): chr2:55,685,056, A>C on the plus strand (T>G on the coding strand, the complement: PNPT1 is on the minus strand). VCF-style: chr2-55685056-A-C. GRCh37 (hg19) VCF-style: chr2-55912191-A-C.
Other names: p.?.
Identifiers: ClinVar variation 713268 (VCV000713268.11), dbSNP rs200679963, ClinGen allele CA1668543.
Genomic context (GRCh38, chr2:55,685,056, plus strand): 5'-AGATAGTTTGTGGGAATTCTACCTGCTGCAGCAGCTTTTTGTCTGTAGTCAACCTGAAGC[A>C]GCAATAAAAAAAAGTTCATATAATTCTTTTTGCAGAAACAAACTATACTGTATGAATGCT-3'

ClinVar aggregate classification (germline): Likely benign. Review status: criteria provided, multiple submitters, no conflicts (2 of 4 stars). 3 submissions from 3 submitters: Likely benign (2). 1 of the submissions does not count toward it. Last evaluated 2026-01-19.

Conditions:
PNPT1-related disorder. Also called: PNPT1-related condition; PNPT1-related disorders.

Allele frequency attached by ClinVar (database versions not stated): gnomAD exomes 0.00006 and 0.00019; ExAC 0.00022; ESP Exome Variant Server 0.00062; gnomAD 0.00065; TOPMed 0.00070; 1000 Genomes Project 0.00220; 1000 Genomes Project 30x 0.00250.
gnomAD v4.1: 190 of 1,564,072 alleles (0.012%); highest among the groups gnomAD compares: African/African-American, 0.23%; no homozygotes.

Submissions (3):

Labcorp Genetics (formerly Invitae), Labcorp
Classification: Likely benign. Last evaluated: 2026-01-19. Review status: criteria provided, single submitter. Criteria: Invitae Variant Classification Sherloc (09022015). Collection method: clinical testing. Allele origin: germline.

Mayo Clinic Laboratories, Mayo Clinic
Classification: Likely benign. Last evaluated: 2024-12-27. Review status: criteria provided, single submitter. Criteria: ACMG Guidelines, 2015. Collection method: clinical testing. Allele origin: germline. Observed: 3 variant alleles.
Comment: BS1, BP4, BP7

PreventionGenetics, part of Exact Sciences
Classification: Likely benign for PNPT1-related condition. Last evaluated: 2024-03-18. Review status: no assertion criteria provided. Collection method: clinical testing. Allele origin: germline. Not counted in ClinVar's aggregate classification.
Comment: This variant is classified as likely benign based on ACMG/AMP sequence variant interpretation guidelines (Richards et al. 2015 PMID: 25741868, with internal and published modifications).